The following is an entry in ClinVar:

ClinVar aggregate classification (germline): Uncertain significance. Review status: criteria provided, multiple submitters, no conflicts (2 of 4 stars). 3 submissions from 3 submitters: Uncertain significance (3). Last evaluated 2026-01-30.

Conditions:
Birt-Hogg-Dube syndrome. Also called: Birt Hogg Dubé syndrome. Identifiers: Orphanet 122, MedGen C0346010, MONDO:0800444.
Familial spontaneous pneumothorax (PSP). Identifiers: Orphanet 2903, MedGen C1868193, MONDO:0008259, OMIM 173600.
Colorectal cancer. Also called: Malignant Colorectal Neoplasm; Colorectal cancer, somatic. Identifiers: MedGen C0346629, MONDO:0005575, OMIM 114500.
Birt-Hogg-Dube syndrome 1 (BHD1). Also called: FIBROFOLLICULOMAS WITH TRICHODISCOMAS AND ACROCHORDONS. Identifiers: Orphanet 122, MedGen CN375946, MONDO:0800445, OMIM 135150.
Nonpapillary renal cell carcinoma. Identifiers: Orphanet 422526, MedGen CN074294, MONDO:0007763, OMIM 144700.
Hereditary cancer-predisposing syndrome. Also called: Hereditary neoplastic syndrome; Neoplastic Syndromes, Hereditary; Tumor predisposition; Hereditary Cancer Syndrome. Identifiers: Orphanet 140162, MedGen C0027672, MeSH D009386, MONDO:0015356.

Submissions (3):

Labcorp Genetics (formerly Invitae), Labcorp
Classification: Uncertain significance for Birt-Hogg-Dube syndrome. Last evaluated: 2026-01-30. Review status: criteria provided, single submitter. Criteria: Invitae Variant Classification Sherloc (09022015). Collection method: clinical testing. Allele origin: germline.
Comment: This sequence change replaces threonine, which is neutral and polar, with asparagine, which is neutral and polar, at codon 522 of the FLCN protein (p.Thr522Asn). This variant is not present in population databases (gnomAD no frequency). This variant has not been reported in the literature in individuals affected with FLCN-related conditions. ClinVar contains an entry for this variant (Variation ID: 1026080). Invitae Evidence Modeling of protein sequence and biophysical properties (such as structural, functional, and spatial information, amino acid conservation, physicochemical variation, residue mobility, and thermodynamic stability) indicates that this missense variant is not expected to disrupt FLCN protein function with a negative predictive value of 80%. In summary, the available evidence is currently insufficient to determine the role of this variant in disease. Therefore, it has been classified as a Variant of Uncertain Significance.

Fulgent Genetics
Classification: Uncertain significance for Colorectal cancer; Birt-Hogg-Dube syndrome 1; Nonpapillary renal cell carcinoma; Familial spontaneous pneumothorax. Last evaluated: 2024-01-01. Review status: criteria provided, single submitter. Criteria: ACMG Guidelines, 2015. Collection method: clinical testing. Allele origin: germline.

Ambry Genetics
Classification: Uncertain significance for Hereditary cancer-predisposing syndrome. Last evaluated: 2023-02-28. Review status: criteria provided, single submitter. Criteria: Ambry Variant Classification Scheme 2023. Collection method: clinical testing. Allele origin: germline.
Comment: The p.T522N variant (also known as c.1565C>A), located in coding exon 11 of the FLCN gene, results from a C to A substitution at nucleotide position 1565. The threonine at codon 522 is replaced by asparagine, an amino acid with similar properties. This amino acid position is conserved. In addition, the in silico prediction for this alteration is inconclusive. Since supporting evidence is limited at this time, the clinical significance of this alteration remains unclear.

NM_144997.7(FLCN):c.1565C>A (p.Thr522Asn)

Gene: FLCN (folliculin; minus strand). Cytogenetic location: 17p11.2.
Variant type: single nucleotide variant.
Coding change: c.1565C>A on transcript NM_144997.7 (MANE Select); coding-DNA position 1565, C replaced by A.
Protein change: p.Thr522Asn; replaces threonine 522 with asparagine.
Molecular consequence: missense variant.
Genome position (GRCh38, 1-based): chr17:17,213,830, G>T on the plus strand (C>A on the coding strand, the complement: FLCN is on the minus strand). VCF-style: chr17-17213830-G-T. GRCh37 (hg19) VCF-style: chr17-17117144-G-T.
Other names: c.1619C>A, p.Thr540Asn (NM_001353229.2); c.1565C>A, p.Thr522Asn (NM_001353230.2, NM_001353231.2); c.1565C>A (NM_144997.5); short protein forms T522N, T540N.
Identifiers: ClinVar variation 1026080 (VCV001026080.8), dbSNP rs1597574324, ClinGen allele CA398530477.